The following is an entry in ClinVar:

ClinVar aggregate classification (germline): Uncertain significance (1 of 4 stars; one submission).

Conditions:
Werner syndrome (WRN). Identifiers: Orphanet 902, MedGen C0043119, MONDO:0010196, OMIM 277700.

Allele frequency attached by ClinVar (database versions not stated): gnomAD exomes 0.00001 and 0.00002; ExAC 0.00002; gnomAD 0.00004 and 0.00005; TOPMed 0.00007; ESP Exome Variant Server 0.00008; 1000 Genomes Project 0.00020; 1000 Genomes Project 30x 0.00031.
gnomAD v4.1: 22 of 1,613,720 alleles (0.0014%); highest among the groups gnomAD compares: African/African-American, 0.027%; no homozygotes.

Submission:

Labcorp Genetics (formerly Invitae), Labcorp
Classification: Uncertain significance for Werner syndrome. Last evaluated: 2024-07-17. Review status: criteria provided, single submitter. Criteria: Invitae Variant Classification Sherloc (09022015). Collection method: clinical testing. Allele origin: germline.
Comment: This sequence change replaces threonine, which is neutral and polar, with asparagine, which is neutral and polar, at codon 1152 of the WRN protein (p.Thr1152Asn). This variant is present in population databases (rs200240557, gnomAD 0.02%). This variant has not been reported in the literature in individuals affected with WRN-related conditions. ClinVar contains an entry for this variant (Variation ID: 574814). An algorithm developed to predict the effect of missense changes on protein structure and function outputs the following: PolyPhen-2: "Benign". The asparagine amino acid residue is found in multiple mammalian species, which suggests that this missense change does not adversely affect protein function. In summary, the available evidence is currently insufficient to determine the role of this variant in disease. Therefore, it has been classified as a Variant of Uncertain Significance.

NM_000553.6(WRN):c.3455C>A (p.Thr1152Asn)

Gene: WRN (WRN RecQ like helicase; plus strand). Cytogenetic location: 8p12.
Variant type: single nucleotide variant.
Coding change: c.3455C>A on transcript NM_000553.6 (MANE Select); coding-DNA position 3455, C replaced by A.
Protein change: p.Thr1152Asn; replaces threonine 1152 with asparagine.
Molecular consequence: missense variant.
Genome position (GRCh38, 1-based): chr8:31,147,124, C>A. VCF-style: chr8-31147124-C-A. GRCh37 (hg19) VCF-style: chr8-31004640-C-A.
Other names: short protein forms T1152N.
Identifiers: ClinVar variation 574814 (VCV000574814.8), dbSNP rs200240557, ClinGen allele CA4705063.